The following is an entry in ClinVar:

ClinVar aggregate classification (germline): Uncertain significance (1 of 4 stars; one submission).

Conditions:
Catecholaminergic polymorphic ventricular tachycardia 1. Also called: VENTRICULAR TACHYCARDIA, CATECHOLAMINERGIC POLYMORPHIC, 1, WITH OR WITHOUT ATRIAL DYSFUNCTION AND/OR DILATED CARDIOMYOPATHY; VENTRICULAR TACHYCARDIA, STRESS-INDUCED POLYMORPHIC 1; RYR2-Related Catecholaminergic Polymorphic Ventricular Tachycardia. Identifiers: Orphanet 3286, MedGen C1631597, MONDO:0011484, OMIM 604772.

Submission:

Labcorp Genetics (formerly Invitae), Labcorp
Classification: Uncertain significance for Catecholaminergic polymorphic ventricular tachycardia 1. Last evaluated: 2023-03-03. Review status: criteria provided, single submitter. Criteria: Invitae Variant Classification Sherloc (09022015). Collection method: clinical testing. Allele origin: germline.
Comment: In summary, the available evidence is currently insufficient to determine the role of this variant in disease. Therefore, it has been classified as a Variant of Uncertain Significance. Algorithms developed to predict the effect of sequence changes on RNA splicing suggest that this variant may create or strengthen a splice site. This variant has not been reported in the literature in individuals affected with RYR2-related conditions. This variant is not present in population databases (gnomAD no frequency). This sequence change creates a premature translational stop signal (p.Leu3621Argfs*19) in the RYR2 gene. It is expected to result in an absent or disrupted protein product. However, the current clinical and genetic evidence is not sufficient to establish whether loss-of-function variants in RYR2 cause disease.

NM_001035.3(RYR2):c.10860_10863del (p.Leu3621fs)

Gene: RYR2 (ryanodine receptor 2; plus strand). Cytogenetic location: 1q43.
Variant type: Microsatellite.
Coding change: c.10860_10863del on transcript NM_001035.3 (MANE Select); coding-DNA positions 10860 to 10863, 4 bases deleted (TCTT; older notation c.10860_10863delTCTT).
Protein change: p.Leu3621fs; shifts the reading frame from leucine 3621.
Molecular consequence: frameshift variant.
Genome position (GRCh38, 1-based): chr1:237,730,281-237,730,284, TCTT deleted; deleting any 4 consecutive bases within chr1:237,730,277-237,730,284 gives the same sequence; the c. name uses the placement nearest the transcript's 3' end. VCF-style (leftmost placement, unchanged base first): chr1-237730276-CTCTT-C. GRCh37 (hg19) VCF-style: chr1-237893576-CTCTT-C.
Other names: short protein forms L3621fs.
Identifiers: ClinVar variation 2842496 (VCV002842496.3), dbSNP rs2527041736, ClinGen allele CA2651211911.